The following is an entry in ClinVar:

NM_004360.5(CDH1):c.695C>T (p.Ser232Phe)

Gene: CDH1 (cadherin 1; plus strand). Cytogenetic location: 16q22.1.
Variant type: single nucleotide variant.
Coding change: c.695C>T on transcript NM_004360.5 (MANE Select); coding-DNA position 695, C replaced by T.
Protein change: p.Ser232Phe; replaces serine 232 with phenylalanine.
Molecular consequence: missense variant. On other transcripts: 5 prime UTR variant (2).
Genome position (GRCh38, 1-based): chr16:68,810,204, C>T. VCF-style: chr16-68810204-C-T. GRCh37 (hg19) VCF-style: chr16-68844107-C-T.
Other names: c.695C>T, p.Ser232Phe (NM_001317184.2); c.-921C>T (NM_001317185.2); c.-1125C>T (NM_001317186.2); short protein forms S232F.
Identifiers: ClinVar variation 5033905 (VCV005033905.1).

ClinVar aggregate classification (germline): Uncertain significance (1 of 4 stars; one submission).

Conditions:
Hereditary cancer-predisposing syndrome. Also called: Neoplastic Syndromes, Hereditary; Tumor predisposition; Hereditary neoplastic syndrome; Hereditary Cancer Syndrome. Identifiers: Orphanet 140162, MedGen C0027672, MeSH D009386, MONDO:0015356.

Submission:

Ambry Genetics
Classification: Uncertain significance for Hereditary cancer-predisposing syndrome. Last evaluated: 2026-07-06. Review status: criteria provided, single submitter. Criteria: Ambry Variant Classification Scheme 2023. Collection method: clinical testing. Allele origin: germline.
Comment: The p.S232F variant (also known as c.695C>T), located in coding exon 6 of the CDH1 gene, results from a C to T substitution at nucleotide position 695. The serine at codon 232 is replaced by phenylalanine, an amino acid with highly dissimilar properties. This amino acid position is conserved. In addition, the in silico prediction for this alteration is inconclusive. Based on the available evidence, the clinical significance of this variant remains unclear.